The following is an entry in ClinVar:

NM_001498.4(GCLC):c.1111G>A (p.Val371Ile)

Gene: GCLC (glutamate-cysteine ligase catalytic subunit; minus strand). Cytogenetic location: 6p12.1.
Variant type: single nucleotide variant.
Coding change: c.1111G>A on transcript NM_001498.4 (MANE Select); coding-DNA position 1111, G replaced by A.
Protein change: p.Val371Ile; replaces valine 371 with isoleucine.
Molecular consequence: missense variant.
Genome position (GRCh38, 1-based): chr6:53,506,999, C>T on the plus strand (G>A on the coding strand, the complement: GCLC is on the minus strand). VCF-style: chr6-53506999-C-T. GRCh37 (hg19) VCF-style: chr6-53371797-C-T.
Other names: p.Val371Ile; c.997G>A, p.Val333Ile (NM_001197115.2); short protein forms V371I, V333I.
Identifiers: ClinVar variation 2920974 (VCV002920974.2), dbSNP rs763523019, ClinGen allele CA3860161.

ClinVar aggregate classification (germline): Uncertain significance. Review status: criteria provided, multiple submitters, no conflicts (2 of 4 stars). 2 submissions from 2 submitters: Uncertain significance (2). Last evaluated 2025-07-24.

Allele frequency attached by ClinVar (database versions not stated): gnomAD 0.00001; gnomAD exomes 0.00001; TOPMed 0.00001; ExAC 0.00002.
gnomAD v4.1: 17 of 1,608,994 alleles (0.0011%); highest among the groups gnomAD compares: Middle Eastern, 0.049%; no homozygotes.

Submissions (2):

Mayo Clinic Laboratories, Mayo Clinic
Classification: Uncertain significance. Last evaluated: 2025-07-24. Review status: criteria provided, single submitter. Criteria: ACMG Guidelines, 2015. Collection method: clinical testing. Allele origin: germline. Observed: 1 variant allele.
Comment: BP4_moderate, PM2_supporting

ARUP Laboratories, Molecular Genetics and Genomics, ARUP Laboratories
Classification: Uncertain significance. Last evaluated: 2023-03-09. Review status: criteria provided, single submitter. Criteria: ARUP Molecular Germline Variant Investigation Process 2024. Collection method: clinical testing. Allele origin: germline.